The following is an entry in ClinVar:

NM_004519.4(KCNQ3):c.2314G>A (p.Asp772Asn)

Gene: KCNQ3 (potassium voltage-gated channel subfamily Q member 3; minus strand). Cytogenetic location: 8q24.22.
Variant type: single nucleotide variant.
Coding change: c.2314G>A on transcript NM_004519.4 (MANE Select); coding-DNA position 2314, G replaced by A.
Protein change: p.Asp772Asn; replaces aspartic acid 772 with asparagine.
Molecular consequence: missense variant.
Genome position (GRCh38, 1-based): chr8:132,129,567, C>T on the plus strand (G>A on the coding strand, the complement: KCNQ3 is on the minus strand). VCF-style: chr8-132129567-C-T. GRCh37 (hg19) VCF-style: chr8-133141814-C-T.
Other names: c.1954G>A, p.Asp652Asn (NM_001204824.2); short protein forms D652N, D772N.
Identifiers: ClinVar variation 3767784 (VCV003767784.1).

ClinVar aggregate classification (germline): Uncertain significance (1 of 4 stars; one submission).

Submission:

GeneDx
Classification: Uncertain significance. Last evaluated: 2024-09-05. Review status: criteria provided, single submitter. Criteria: GeneDx Variant Classification Process June 2021. Collection method: clinical testing. Allele origin: germline. Affected: yes.
Comment: Not observed at significant frequency in large population cohorts (gnomAD); In silico analysis indicates that this missense variant does not alter protein structure/function; Has not been previously published as pathogenic or benign to our knowledge